The following is an entry in ClinVar:

ClinVar aggregate classification (germline): Uncertain significance (1 of 4 stars; one submission).

Submission:

Laboratory for Molecular Medicine, Mass General Brigham Personalized Medicine
Classification: Uncertain significance. Last evaluated: 2014-02-06. Review status: criteria provided, single submitter. Criteria: LMM Criteria. Collection method: clinical testing. Allele origin: germline. Observed: 1 variant allele.
Comment: Variant classified as Uncertain Significance - Favor Benign. The exon 3 duplicat ion in KCNE1 has not been previously reported in individuals with hearing loss o r Jervell and Lange-Nielsen syndrome. Exon 3 is the sole coding exon in the KCNE 1 gene and is the only exon in KCNE1 covered by the OtoGenome test. Therefore, t his variant may represent a whole gene duplication of KCNE1. A number of duplica tions and deletions encompassing the entire KCNE1 gene have been previously repo rted in the ISCA, DECIPHER, and DGV databases; however, these copy number varian ts were reported to extend into neighboring genes (g/,). Th e endpoints of this deletion cannot be determined due to limitations of the test ing methodology, and follow-up testing by chromosomal microarray may be able to assess the involvement of neighboring genes. In summary, additional information is needed to determine the clinical significance of this variant.

NM_000219.3(KCNE1):c.(?_1)_(390_?)dup

Gene: KCNE1 (potassium voltage-gated channel subfamily E regulatory subunit 1; minus strand). Cytogenetic location: 21q22.12.
Variant type: Duplication.
Coding change: c.(?_1)_(390_?)dup on transcript NM_000219.3; a large duplication whose breakpoints are not mapped to the base.
Other names: c.(?_1)_(390_?)dup (LRG_290t1).
Identifiers: ClinVar variation 179570 (VCV000179570.4).